The following is an entry in ClinVar:

ClinVar aggregate classification (germline): Uncertain significance (1 of 4 stars; one submission).

Allele frequency attached by ClinVar (database versions not stated): gnomAD exomes below 0.00001.
gnomAD v4.1: 4 of 1,613,920 alleles (0.00025%); highest among the groups gnomAD compares: Non-Finnish European, 0.00034%; no homozygotes.

Submission:

Labcorp Genetics (formerly Invitae), Labcorp
Classification: Uncertain significance. Last evaluated: 2024-02-24. Review status: criteria provided, single submitter. Criteria: Invitae Variant Classification Sherloc (09022015). Collection method: clinical testing. Allele origin: germline.
Comment: This sequence change replaces histidine, which is basic and polar, with leucine, which is neutral and non-polar, at codon 310 of the ZNF408 protein (p.His310Leu). This variant is present in population databases (no rsID available, gnomAD 0.0009%). This variant has not been reported in the literature in individuals affected with ZNF408-related conditions. ClinVar contains an entry for this variant (Variation ID: 2058408). An algorithm developed to predict the effect of missense changes on protein structure and function (PolyPhen-2) suggests that this variant is likely to be tolerated. In summary, the available evidence is currently insufficient to determine the role of this variant in disease. Therefore, it has been classified as a Variant of Uncertain Significance.

NM_024741.3(ZNF408):c.929A>T (p.His310Leu)

Gene: ZNF408 (zinc finger protein 408; plus strand). Cytogenetic location: 11p11.2.
Variant type: single nucleotide variant.
Coding change: c.929A>T on transcript NM_024741.3 (MANE Select); coding-DNA position 929, A replaced by T.
Protein change: p.His310Leu; replaces histidine 310 with leucine.
Molecular consequence: missense variant.
Genome position (GRCh38, 1-based): chr11:46,704,629, A>T. VCF-style: chr11-46704629-A-T. GRCh37 (hg19) VCF-style: chr11-46726179-A-T.
Other names: c.905A>T, p.His302Leu (NM_001184751.2); short protein forms H302L, H310L.
Identifiers: ClinVar variation 2058408 (VCV002058408.4), dbSNP rs1451150914, ClinGen allele CA380254480.